The following is an entry in ClinVar:

NM_007294.4(BRCA1):c.3106_3109del (p.Phe1036fs)

Gene: BRCA1 (BRCA1 DNA repair associated; minus strand). Cytogenetic location: 17q21.31.
Variant type: Deletion.
Coding change: c.3106_3109del on transcript NM_007294.4 (MANE Select); coding-DNA positions 3106 to 3109, 4 bases deleted (TTTA; older notation c.3106_3109delTTTA).
Protein change: p.Phe1036fs; shifts the reading frame from phenylalanine 1036.
Molecular consequence: frameshift variant. On other transcripts: intron variant (137).
Genome position (GRCh38, 1-based): chr17:43,092,422-43,092,425, TAAA deleted on the plus strand (TTTA on the coding strand, the reverse complement: BRCA1 is on the minus strand). VCF-style (leftmost placement, unchanged base first): chr17-43092421-TTAAA-T. GRCh37 (hg19) VCF-style: chr17-41244438-TTAAA-T.
Other names: c.2893_2896del, p.Phe965fs (NM_001407571.1, NM_001407853.1, NM_001407894.1 and 9 more transcripts); c.3106_3109del, p.Phe1036fs (NM_001407581.1, NM_001407582.1, NM_001407583.1 and 30 more transcripts); c.3103_3106del, p.Phe1035fs (NM_001407587.1, NM_001407590.1, NM_001407591.1 and 22 more transcripts); c.3097_3100del, p.Phe1033fs (NM_001407646.1, NM_001407647.1); c.2983_2986del, p.Phe995fs (NM_001407648.1, NM_001407664.1, NM_001407665.1 and 19 more transcripts); c.2980_2983del, p.Phe994fs (NM_001407649.1, NM_001407670.1, NM_001407671.1 and 11 more transcripts); c.3028_3031del, p.Phe1010fs (NM_001407653.1, NM_001407654.1, NM_001407655.1 and 4 more transcripts); c.3025_3028del, p.Phe1009fs (NM_001407659.1, NM_001407660.1, NM_001407661.1 and 1 more transcripts); and 41 more; short protein forms F989fs, F1036fs, F947fs, F969fs, F994fs, F1033fs, F868fs, F965fs.
Identifiers: ClinVar variation 545848 (VCV000545848.4), dbSNP rs1555588385, ClinGen allele CA658823980.

ClinVar aggregate classification (germline): Pathogenic (1 of 4 stars; one submission).

Submission:

GeneDx
Classification: Pathogenic. Last evaluated: 2017-11-30. Review status: criteria provided, single submitter. Criteria: GeneDx Variant Classification (06012015). Collection method: clinical testing. Allele origin: germline. Affected: yes.
Comment: This deletion of four nucleotides in BRCA1 is denoted c.3106_3109delTTTA at the cDNA level and p.Phe1036LysfsX11 (F1036KfsX11) at the protein level. The normal sequence, with the bases that are deleted in brackets, is TGTT[delTTTA]AAGA. The deletion causes a frameshift which changes a Phenylalanine to a Lysine at codon 1036, and creates a premature stop codon at position 11 of the new reading frame. Although this variant has not, to our knowledge, been reported in the literature, it is predicted to cause loss of normal protein function through either protein truncation or nonsense-mediated mRNA decay. We consider this variant to be pathogenic.